The following is an entry in ClinVar:

ClinVar aggregate classification (germline): Pathogenic/Likely pathogenic. Review status: criteria provided, multiple submitters, no conflicts (2 of 4 stars). 8 submissions from 8 submitters: Pathogenic (4); Likely pathogenic (3). 1 of the submissions does not count toward it. Last evaluated 2025-05-05.

Conditions:
TULP1-related disorder. Also called: TULP1-related condition; TULP1-related disorders.
Leber congenital amaurosis (LCA). Also called: Leber's amaurosis. Identifiers: Orphanet 65, MedGen C0339527, MeSH D057130, MONDO:0018998.
Retinitis pigmentosa 14 (RP14). Also called: RETINITIS PIGMENTOSA, JUVENILE, TULP1-RELATED. Identifiers: Orphanet 791, MedGen C1838603, MONDO:0010827, OMIM 600132.

Allele frequency attached by ClinVar (database versions not stated): gnomAD exomes below 0.00001; TOPMed below 0.00001; ExAC 0.00001.
gnomAD v4.1: 1 of 1,614,108 alleles (0.000062%); highest among the groups gnomAD compares: Non-Finnish European, 0.000085%; no homozygotes.

Submissions (8):

PreventionGenetics, part of Exact Sciences
Classification: Likely pathogenic for TULP1-related condition. Last evaluated: 2025-05-05. Review status: criteria provided, single submitter. Criteria: ACMG Guidelines, 2015. Collection method: clinical testing. Allele origin: germline.
Comment: The TULP1 c.1471T>C variant is predicted to result in the amino acid substitution p.Phe491Leu. This variant has been reported in individuals with retinitis pigmentosa or cone-rod dystrophy (Hagstrom et al., 1998. PubMed ID: 9462750, Table S2, Weisschuh et al. 2020. PubMed ID: 32531858). This variant was identified in the compound heterozygous state in two affected siblings with retinitis pigmentosa (Hagstrom et al., 1998. PubMed ID: 9462750). Functional studies revealed that this variant disrupts protein folding, localization and function (Lobo et al., 2016. PubMed ID: 26987071). This variant has not been reported in a large population database (gnomAD), indicating this variant is rare. This variant is interpreted as likely pathogenic.

Labcorp Genetics (formerly Invitae), Labcorp
Classification: Pathogenic. Last evaluated: 2024-10-29. Review status: criteria provided, single submitter. Criteria: Invitae Variant Classification Sherloc (09022015). Collection method: clinical testing. Allele origin: germline.
Comment: This sequence change replaces phenylalanine, which is neutral and non-polar, with leucine, which is neutral and non-polar, at codon 491 of the TULP1 protein (p.Phe491Leu). This variant is present in population databases (rs121909074, gnomAD 0.0009%). This missense change has been observed in individual(s) with clinical features of TULP1-related conditions (PMID: 9462750, 32531858). In at least one individual the data is consistent with being in trans (on the opposite chromosome) from a pathogenic variant. It has also been observed to segregate with disease in related individuals. ClinVar contains an entry for this variant (Variation ID: 7358). Invitae Evidence Modeling of protein sequence and biophysical properties (such as structural, functional, and spatial information, amino acid conservation, physicochemical variation, residue mobility, and thermodynamic stability) indicates that this missense variant is expected to disrupt TULP1 protein function with a positive predictive value of 95%. Experimental studies have shown that this missense change affects TULP1 function (PMID: 26427415). For these reasons, this variant has been classified as Pathogenic.

Women's Health and Genetics/Laboratory Corporation of America, LabCorp
Classification: Likely pathogenic for Leber congenital amaurosis. Last evaluated: 2024-09-18. Review status: criteria provided, single submitter. Criteria: LabCorp Variant Classification Summary - May 2015. Collection method: clinical testing. Allele origin: germline.
Comment: Variant summary: TULP1 c.1471T>C (p.Phe491Leu) results in a non-conservative amino acid change located in the Tubby, C-terminal domain (IPR000007) of the encoded protein sequence. Five of five in-silico tools predict a damaging effect of the variant on protein function. The variant was absent in 251428 control chromosomes. c.1471T>C has been reported in the literature in the compound heterozygous or presumed compound heterozygous state in multiple individuals affected with clinical features of Leber Congenital Amaurosis or inherited retinal dystrophy (example, Hagstrom_1998, Weisschuh_2020). These data indicate that the variant may be associated with disease. At least one publication reports experimental evidence evaluating an impact on protein function. The most pronounced variant effect results in severe protein mislocation, induction of the unfolded protein response, and increased apoptotic rate in vitro and in mouse retinal cells (example, Lobo_2016). The following publications have been ascertained in the context of this evaluation (PMID: 9462750, 26987071, 32531858). ClinVar contains an entry for this variant (Variation ID: 7358). Based on the evidence outlined above, the variant was classified as likely pathogenic.

GeneDx
Classification: Likely pathogenic. Last evaluated: 2024-03-14. Review status: criteria provided, single submitter. Criteria: GeneDx Variant Classification Process June 2021. Collection method: clinical testing. Allele origin: germline. Affected: yes.
Comment: Observed multiple times with a second TULP1 variant in unrelated patients with retinal dystrophy referred for genetic testing at GeneDx and reported in the published literature, but it is not known whether the variants occurred on the same (in cis) or on different (in trans) chromosomes in some cases (PMID: 9462750, 32531858, 36769033); Published functional studies demonstrate that F491L disrupts TULP1 transportation from the ER leading to retinal cell death (PMID: 26987071); Not observed at significant frequency in large population cohorts (gnomAD); This variant is associated with the following publications: (PMID: 26427415, 33907372, 9462750, 32531858, 31964843, 36769033, 26987071)

Institute of Medical Genetics and Applied Genomics, University Hospital Tübingen
Classification: Pathogenic for Retinitis pigmentosa 14. Last evaluated: 2023-02-01. Review status: criteria provided, single submitter. Criteria: ACMG Guidelines, 2015. Collection method: clinical testing. Allele origin: germline. Inheritance: Autosomal recessive inheritance. Affected: yes.

Blueprint Genetics
Classification: Pathogenic for TULP1-related disorders. Last evaluated: 2021-09-26. Review status: criteria provided, single submitter. Criteria: ACMG Guidelines, 2015. Collection method: clinical testing. Allele origin: germline. Affected: yes. Observed: 4 variant alleles.

CeGaT Center for Human Genetics Tuebingen
Classification: Pathogenic. Last evaluated: 2017-12-01. Review status: criteria provided, single submitter. Criteria: CeGaT Center For Human Genetics Tuebingen Variant Classification Criteria Version 2. Collection method: clinical testing. Allele origin: germline. Affected: yes. Observed: 1 variant allele.

OMIM
Classification: Pathogenic for RETINITIS PIGMENTOSA 14. Last evaluated: 1998-02-01. Review status: no assertion criteria provided. Collection method: literature only. Allele origin: germline. Not counted in ClinVar's aggregate classification.

Literature cited by the submitters: PubMed 9462750 (cited by 3 submitters); PubMed 32531858 (cited by Labcorp Genetics (formerly Invitae), Labcorp and Women's Health and Genetics/Laboratory Corporation of America, LabCorp); PubMed 26427415 (cited by Labcorp Genetics (formerly Invitae), Labcorp); PubMed 26987071 (cited by Women's Health and Genetics/Laboratory Corporation of America, LabCorp).

NM_003322.6(TULP1):c.1471T>C (p.Phe491Leu)

Genes: TEAD3 (TEA domain transcription factor 3; minus strand), TULP1 (TUB like protein 1; minus strand). Cytogenetic location: 6p21.31.
Variant type: single nucleotide variant.
Coding change: c.1471T>C on transcript NM_003322.6 (MANE Select); coding-DNA position 1471, T replaced by C.
Protein change: p.Phe491Leu; replaces phenylalanine 491 with leucine.
Molecular consequence: missense variant.
Genome position (GRCh38, 1-based): chr6:35,500,005, A>G on the plus strand (T>C on the coding strand, the complement: TULP1 is on the minus strand). VCF-style: chr6-35500005-A-G. GRCh37 (hg19) VCF-style: chr6-35467782-A-G.
Other names: c.1471T>C (NM_003322.3); c.1312T>C, p.Phe438Leu (NM_001289395.2); short protein forms F491L, F438L.
Identifiers: ClinVar variation 7358 (VCV000007358.57), dbSNP rs121909074, ClinGen allele CA254154.
Genomic context (GRCh38, chr6:35,500,005, plus strand): 5'-TGGAGAAGAGCCAGACCTGGGCCCTCAGGTACTCACGGTCATCAGCGTGGACAATCTGGA[A>G]GTTCTTGACTGAGGCCTGGGTGACCCGGCCTTGGAAGTTGAGGGTGTAGGAGCCACTGTC-3'
Protein context (NP_003313.3, residues 481-501): GRVTQASVKN[Phe491Leu]QIVHADDPDY